The following is an entry in ClinVar:

NM_020433.5(JPH2):c.1148_1156del (p.Lys383_Glu385del)

Gene: JPH2 (junctophilin 2; minus strand). Cytogenetic location: 20q13.12.
Variant type: Deletion.
Coding change: c.1148_1156del on transcript NM_020433.5 (MANE Select); coding-DNA positions 1148 to 1156, 9 bases deleted (AGGCCGAGA; older notation c.1148_1156delAGGCCGAGA).
Protein change: p.Lys383_Glu385del.
Molecular consequence: inframe deletion. On other transcripts: inframe indel (1).
Genome position (GRCh38, 1-based): chr20:44,159,631-44,159,639, TCTCGGCCT deleted on the plus strand (AGGCCGAGA on the coding strand, the reverse complement: JPH2 is on the minus strand); deleting any 9 consecutive bases within chr20:44,159,631-44,159,642 gives the same sequence; the c. name uses the placement nearest the transcript's 3' end. VCF-style (leftmost placement, unchanged base first): chr20-44159630-ATCTCGGCCT-A. GRCh37 (hg19) VCF-style: chr20-42788270-ATCTCGGCCT-A.
Other names: c.1148_1156delAGGCCGAGA (NM_020433.4).
Identifiers: ClinVar variation 1732981 (VCV001732981.5), dbSNP rs2072589790, ClinGen allele CA2365647457.

ClinVar aggregate classification (germline): Uncertain significance. Review status: criteria provided, multiple submitters, no conflicts (2 of 4 stars). 2 submissions from 2 submitters: Uncertain significance (2). Last evaluated 2023-05-25.

Conditions:
Cardiovascular phenotype. Identifiers: MedGen CN230736.
Hypertrophic cardiomyopathy. Also called: HYPERTROPHIC MYOCARDIOPATHY. Identifiers: Orphanet 217569, MedGen C0007194, MeSH D002312, MONDO:0005045, HP:0001639.

Submissions (2):

Labcorp Genetics (formerly Invitae), Labcorp
Classification: Uncertain significance for Hypertrophic cardiomyopathy. Last evaluated: 2023-05-25. Review status: criteria provided, single submitter. Criteria: Invitae Variant Classification Sherloc (09022015). Collection method: clinical testing. Allele origin: germline.
Comment: This variant, c.1148_1156del, results in the deletion of 3 amino acid(s) of the JPH2 protein (p.Lys383_Glu385del), but otherwise preserves the integrity of the reading frame. This variant is not present in population databases (gnomAD no frequency). This variant has not been reported in the literature in individuals affected with JPH2-related conditions. ClinVar contains an entry for this variant (Variation ID: 1732981). Experimental studies and prediction algorithms are not available or were not evaluated, and the functional significance of this variant is currently unknown. In summary, the available evidence is currently insufficient to determine the role of this variant in disease. Therefore, it has been classified as a Variant of Uncertain Significance.

Ambry Genetics
Classification: Uncertain significance for Cardiovascular phenotype. Last evaluated: 2021-01-11. Review status: criteria provided, single submitter. Criteria: Ambry Variant Classification Scheme 2023. Collection method: clinical testing. Allele origin: germline.
Comment: The c.1148_1156delAGGCCGAGA variant (also known as p.K383_E385del) is located in coding exon 2 of the JPH2 gene. This variant results from an in-frame AGGCCGAGA deletion at nucleotide positions 1148 to 1156. This results in the in-frame deletion of lysine, alanine, and glutamic acid at codons 383 through 385. This amino acid region is highly conserved in available vertebrate species. In addition, this alteration is predicted to be deleterious by in silico analysis (Choi Y et al. PLoS ONE. 2012; 7(10):e46688). Since supporting evidence is limited at this time, the clinical significance of this alteration remains unclear.